The following is an entry in ClinVar:

ClinVar aggregate classification (germline): Likely pathogenic. Review status: criteria provided, single submitter (1 of 4 stars). 2 submissions from 2 submitters: Likely pathogenic (1). 1 of the submissions does not count toward it. Last evaluated 2025-12-04.

Conditions:
Alkaptonuria (AKU). Also called: Homogentisic acidura; Alkaptonuric ochronosis; HOMOGENTISIC ACID OXIDASE DEFICIENCY; Alcaptonuria. Identifiers: Orphanet 56, MedGen C0002066, MONDO:0008753, OMIM 203500.

gnomAD v4.1: 2 of 1,614,116 alleles (0.00012%); highest among the groups gnomAD compares: South Asian, 0.0022%; no homozygotes.

Submissions (2):

Kasturba Medical College, Manipal, Kasturba Medical College, Manipal, Manipal Academy of Higher Education, Manipal, India
Classification: Likely pathogenic for Alkaptonuria. Last evaluated: 2025-12-04. Review status: criteria provided, single submitter. Criteria: ACMG Guidelines, 2015. Collection method: research. Allele origin: germline. Inheritance: Autosomal recessive inheritance. Affected: yes.
Comment: The variant is reported in two individuals in heterozygous state and absent in homozygous state in the population database, gnomAD (v4.1.0). The variant is absent in homozygous and/or heterozygous state from our in-house database of 3871 exomes. In silico prediction tools (CADD_Phred and REVEL) are consistent in predicting the variant as damaging to HGD (Homogentisate 1,2-dioxygenase) protein function. The clinical features observed in the probandoverlaps with alkaptonuria (MIM #203500). Thus, the above-mentioned variant in homozygous state confirms the diagnosis of Alkaptonuria.

Department Of Human Genetics, Institute Of Clinical And Translational Research, Biomedical Research Center, Slovak Academy Of Sciences
Classification: Pathogenic for Alkaptonuria. Review status: no assertion criteria provided. Collection method: research. Allele origin: germline. Inheritance: Autosomal recessive inheritance. Affected: yes. Observed: 4 variant alleles. Not counted in ClinVar's aggregate classification.
Comment: The variant was originally described in AKU patient in PMID:12501223. It has been submitted to the HGD gene mutation database (DB-ID: AKU_00054).

Literature cited by the submitters: PubMed 25681086 (cited by Kasturba Medical College, Manipal, Kasturba Medical College, Manipal, Manipal Academy of Higher Education, Manipal, India); PubMed 12501223 (cited by Department Of Human Genetics, Institute Of Clinical And Translational Research, Biomedical Research Center, Slovak Academy Of Sciences).

NM_000187.4(HGD):c.513G>T (p.Lys171Asn)

Gene: HGD (homogentisate 1,2-dioxygenase; minus strand). Cytogenetic location: 3q13.33.
Variant type: single nucleotide variant.
Coding change: c.513G>T on transcript NM_000187.4 (MANE Select); coding-DNA position 513, G replaced by T.
Protein change: p.Lys171Asn; replaces lysine 171 with asparagine.
Molecular consequence: missense variant.
Genome position (GRCh38, 1-based): chr3:120,647,009, C>A on the plus strand (G>T on the coding strand, the complement: HGD is on the minus strand). VCF-style: chr3-120647009-C-A. GRCh37 (hg19) VCF-style: chr3-120365856-C-A.
Other names: short protein forms K171N.
Identifiers: ClinVar variation 2627695 (VCV002627695.2), dbSNP rs2472701853, ClinGen allele CA354077024.